The following is an entry in ClinVar:

NM_000552.5(VWF):c.1981T>C (p.Cys661Arg)

Gene: VWF (von Willebrand factor; minus strand). Cytogenetic location: 12p13.31.
Variant type: single nucleotide variant.
Coding change: c.1981T>C on transcript NM_000552.5 (MANE Select); coding-DNA position 1981, T replaced by C.
Protein change: p.Cys661Arg; replaces cysteine 661 with arginine.
Molecular consequence: missense variant.
Genome position (GRCh38, 1-based): chr12:6,052,748, A>G on the plus strand (T>C on the coding strand, the complement: VWF is on the minus strand). VCF-style: chr12-6052748-A-G. GRCh37 (hg19) VCF-style: chr12-6161914-A-G.
Other names: short protein forms C661R.
Identifiers: ClinVar variation 619739 (VCV000619739.4), dbSNP rs1401763967, ClinGen allele CA383495411.

ClinVar aggregate classification (germline): Uncertain significance. Review status: criteria provided, multiple submitters, no conflicts (2 of 4 stars). 3 submissions from 3 submitters: Uncertain significance (3). Last evaluated 2025-10-07.

Conditions:
Inborn genetic diseases. Identifiers: MedGen C0950123, MeSH D030342.

Submissions (3):

Women's Health and Genetics/Laboratory Corporation of America, LabCorp
Classification: Uncertain significance. Last evaluated: 2025-10-07. Review status: criteria provided, single submitter. Criteria: LabCorp Variant Classification Summary - May 2015. Collection method: clinical testing. Allele origin: germline.
Comment: Variant summary: VWF c.1981T>C (p.Cys661Arg) results in a non-conservative amino acid change in the encoded protein sequence. Algorithms developed to predict the effect of missense changes on protein structure and function all suggest that this variant is likely to be disruptive. The variant was absent in 250842 control chromosomes. The available data on variant occurrences in the general population are insufficient to allow any conclusion about variant significance. To our knowledge, no occurrence of c.1981T>C in individuals affected with VWF-related conditions and no experimental evidence demonstrating its impact on protein function have been reported. ClinVar contains an entry for this variant (Variation ID: 619739). Based on the evidence outlined above, the variant was classified as uncertain significance.

Ambry Genetics
Classification: Uncertain significance for Inborn genetic diseases. Last evaluated: 2024-08-21. Review status: criteria provided, single submitter. Criteria: Ambry Variant Classification Scheme 2023. Collection method: clinical testing. Allele origin: germline.

Quest Diagnostics Nichols Institute San Juan Capistrano
Classification: Uncertain significance. Last evaluated: 2018-07-12. Review status: criteria provided, single submitter. Criteria: Quest Diagnostics criteria. Collection method: clinical testing. Allele origin: germline.